The following is an entry in ClinVar:

NM_152383.5(DIS3L2):c.1945G>A (p.Gly649Arg)

Gene: DIS3L2 (DIS3 like 3'-5' exoribonuclease 2; plus strand). Cytogenetic location: 2q37.1.
Variant type: single nucleotide variant.
Coding change: c.1945G>A on transcript NM_152383.5 (MANE Select); coding-DNA position 1945, G replaced by A.
Protein change: p.Gly649Arg; replaces glycine 649 with arginine.
Molecular consequence: missense variant. On other transcripts: non-coding transcript variant (2), intron variant (1).
Genome position (GRCh38, 1-based): chr2:232,330,711, G>A. VCF-style: chr2-232330711-G-A. GRCh37 (hg19) VCF-style: chr2-233195421-G-A.
Other names: c.1582-12634G>A (NM_001257281.2); short protein forms G649R.
Identifiers: ClinVar variation 531903 (VCV000531903.9), dbSNP rs1274927583, ClinGen allele CA350976546.
Genomic context (GRCh38, chr2:232,330,711, plus strand): 5'-GGACCACACGTCACATAGGTTTCTGGGATTTGCTTCTAGAAAAGCCTGACCCAAACATTT[G>A]GAGATGACAAGTACTCACTGGCCCGCAAGGAGGTGCTCACCAACATGTGCTCCCGGCCCA-3'
Protein context (NP_689596.4, residues 639-659): ALNKSLTQTF[Gly649Arg]DDKYSLARKE

ClinVar aggregate classification (germline): Uncertain significance (1 of 4 stars; one submission).

Conditions:
Perlman syndrome (PRLMNS). Identifiers: Orphanet 2849, MedGen C0796113, MONDO:0009965, OMIM 267000.

Allele frequency attached by ClinVar (database versions not stated): gnomAD exomes below 0.00001; gnomAD 0.00001; TOPMed 0.00001.
gnomAD v4.1: 4 of 1,613,850 alleles (0.00025%); highest among the groups gnomAD compares: Non-Finnish European, 0.00025%; no homozygotes.

Submission:

Labcorp Genetics (formerly Invitae), Labcorp
Classification: Uncertain significance for Perlman syndrome. Last evaluated: 2025-07-30. Review status: criteria provided, single submitter. Criteria: Invitae Variant Classification Sherloc (09022015). Collection method: clinical testing. Allele origin: germline.
Comment: This sequence change replaces glycine, which is neutral and non-polar, with arginine, which is basic and polar, at codon 649 of the DIS3L2 protein (p.Gly649Arg). This variant is not present in population databases (gnomAD no frequency). This variant has not been reported in the literature in individuals affected with DIS3L2-related conditions. ClinVar contains an entry for this variant (Variation ID: 531903). Invitae Evidence Modeling of protein sequence and biophysical properties (such as structural, functional, and spatial information, amino acid conservation, physicochemical variation, residue mobility, and thermodynamic stability) indicates that this missense variant is not expected to disrupt DIS3L2 protein function with a negative predictive value of 80%. Algorithms developed to predict the effect of sequence changes on RNA splicing suggest that this variant may disrupt the consensus splice site. In summary, the available evidence is currently insufficient to determine the role of this variant in disease. Therefore, it has been classified as a Variant of Uncertain Significance.